The following is an entry in ClinVar:

ClinVar aggregate classification (germline): Uncertain significance (1 of 4 stars; one submission).

Conditions:
Nemaline myopathy 2 (NEM2). Also called: Nemaline myopathy 2, autosomal recessive. Identifiers: MedGen C1850569, MONDO:0009725, OMIM 256030.

Submission:

Labcorp Genetics (formerly Invitae), Labcorp
Classification: Uncertain significance for Nemaline myopathy 2. Last evaluated: 2021-08-05. Review status: criteria provided, single submitter. Criteria: Invitae Variant Classification Sherloc (09022015). Collection method: clinical testing. Allele origin: germline.
Comment: This sequence change replaces asparagine with threonine at codon 7620 of the NEB protein (p.Asn7620Thr). The asparagine residue is moderately conserved and there is a small physicochemical difference between asparagine and threonine. This variant is not present in population databases (ExAC no frequency). This variant has not been reported in the literature in individuals affected with NEB-related conditions. Algorithms developed to predict the effect of missense changes on protein structure and function are either unavailable or do not agree on the potential impact of this missense change (SIFT: "Deleterious"; PolyPhen-2: "Not Available"; Align-GVGD: "Class C0"). In summary, the available evidence is currently insufficient to determine the role of this variant in disease. Therefore, it has been classified as a Variant of Uncertain Significance.

NM_001164508.2(NEB):c.22754A>C (p.Asn7585Thr)

Genes: NEB (nebulin; minus strand), RIF1 (replication timing regulatory factor 1; plus strand). Cytogenetic location: 2q23.3.
Variant type: single nucleotide variant.
Coding change: c.22754A>C on transcript NM_001164508.2 (MANE Select); coding-DNA position 22754, A replaced by C.
Protein change: p.Asn7585Thr; replaces asparagine 7585 with threonine.
Molecular consequence: missense variant.
Genome position (GRCh38, 1-based): chr2:151,518,364, T>G on the plus strand (A>C on the coding strand, the complement: NEB is on the minus strand). VCF-style: chr2-151518364-T-G. GRCh37 (hg19) VCF-style: chr2-152374878-T-G.
Other names: c.22754A>C, p.Asn7585Thr (NM_001164507.2); c.22859A>C, p.Asn7620Thr (NM_001271208.2); c.17651A>C, p.Asn5884Thr (NM_004543.5); short protein forms N5884T, N7585T, N7620T.
Identifiers: ClinVar variation 1963768 (VCV001963768.2), dbSNP rs2552089413, ClinGen allele CA348759404.